The following is an entry in ClinVar:

NM_020831.6(MRTFA):c.2390C>T (p.Ala797Val)

Gene: MRTFA (myocardin related transcription factor A; minus strand). Cytogenetic location: 22q13.1.
Variant type: single nucleotide variant.
Coding change: c.2390C>T on transcript NM_020831.6 (MANE Select); coding-DNA position 2390, C replaced by T.
Protein change: p.Ala797Val; replaces alanine 797 with valine.
Molecular consequence: missense variant.
Genome position (GRCh38, 1-based): chr22:40,417,468, G>A on the plus strand (C>T on the coding strand, the complement: MRTFA is on the minus strand). VCF-style: chr22-40417468-G-A. GRCh37 (hg19) VCF-style: chr22-40813472-G-A.
Other names: c.2090C>T, p.Ala697Val (NM_001282660.2); c.2240C>T, p.Ala747Val (NM_001282661.3); c.2390C>T, p.Ala797Val (NM_001282662.3); c.2195C>T, p.Ala732Val (NM_001318139.2); short protein forms A732V, A747V, A797V, A697V.
Identifiers: ClinVar variation 3210038 (VCV003210038.2), dbSNP rs778638734, ClinGen allele CA10249340.

ClinVar aggregate classification (germline): Conflicting classifications of pathogenicity. Review status: criteria provided, conflicting classifications (1 of 4 stars). 2 submissions from 2 submitters: Uncertain significance (1); Likely benign (1). Last evaluated 2025-03-04.

Allele frequency attached by ClinVar (database versions not stated): gnomAD 0.00001; gnomAD exomes 0.00002; ExAC 0.00004.
gnomAD v4.1: 15 of 1,589,930 alleles (0.00094%); highest among the groups gnomAD compares: South Asian, 0.0068%; 1 homozygote.

Submissions (2):

Labcorp Genetics (formerly Invitae), Labcorp
Classification: Uncertain significance. Last evaluated: 2025-03-04. Review status: criteria provided, single submitter. Criteria: Invitae Variant Classification Sherloc (09022015). Collection method: clinical testing. Allele origin: germline.
Comment: This sequence change replaces alanine, which is neutral and non-polar, with valine, which is neutral and non-polar, at codon 697 of the MKL1 protein (p.Ala697Val). The frequency data for this variant in the population databases is considered unreliable, as metrics indicate poor data quality at this position in the gnomAD database. This variant has not been reported in the literature in individuals affected with MKL1-related conditions. ClinVar contains an entry for this variant (Variation ID: 3210038). An algorithm developed to predict the effect of missense changes on protein structure and function outputs the following: PolyPhen-2: "Benign". The valine amino acid residue is found in multiple mammalian species, which suggests that this missense change does not adversely affect protein function. In summary, the available evidence is currently insufficient to determine the role of this variant in disease. Therefore, it has been classified as a Variant of Uncertain Significance.

Ambry Genetics
Classification: Likely benign. Last evaluated: 2024-02-17. Review status: criteria provided, single submitter. Criteria: Ambry Variant Classification Scheme 2023. Collection method: clinical testing. Allele origin: germline.